The following is an entry in ClinVar:

NM_030665.4(RAI1):c.4729C>T (p.Leu1577Phe)

Gene: RAI1 (retinoic acid induced 1; plus strand). Cytogenetic location: 17p11.2.
Variant type: single nucleotide variant.
Coding change: c.4729C>T on transcript NM_030665.4 (MANE Select); coding-DNA position 4729, C replaced by T.
Protein change: p.Leu1577Phe; replaces leucine 1577 with phenylalanine.
Molecular consequence: missense variant.
Genome position (GRCh38, 1-based): chr17:17,797,677, C>T. VCF-style: chr17-17797677-C-T. GRCh37 (hg19) VCF-style: chr17-17700991-C-T.
Other names: short protein forms L1577F.
Identifiers: ClinVar variation 2717711 (VCV002717711.3), dbSNP rs1380515232, ClinGen allele CA398557365.
Genomic context (GRCh38, chr17:17,797,677, plus strand): 5'-GCCAAGCGACGACGACAGCAGCAGGTGCTGCCCCTGGATCCCGCAGAGCCTGAAATCCGC[C>T]TCAAGTACATTTCCTCTTGCAAGCGGCTGAGGTCAGACAGCCGGACCCCCGCCTTCTCAC-3'
Protein context (NP_109590.3, residues 1567-1587): PLDPAEPEIR[Leu1577Phe]KYISSCKRLR

ClinVar aggregate classification (germline): Uncertain significance (1 of 4 stars; one submission).

Allele frequency attached by ClinVar (database versions not stated): TOPMed below 0.00001; gnomAD 0.00001; gnomAD exomes 0.00001.
gnomAD v4.1: 10 of 1,613,678 alleles (0.00062%); highest among the groups gnomAD compares: Non-Finnish European, 0.00085%; no homozygotes.

Submission:

Labcorp Genetics (formerly Invitae), Labcorp
Classification: Uncertain significance. Last evaluated: 2023-12-19. Review status: criteria provided, single submitter. Criteria: Invitae Variant Classification Sherloc (09022015). Collection method: clinical testing. Allele origin: germline.
Comment: This sequence change replaces leucine, which is neutral and non-polar, with phenylalanine, which is neutral and non-polar, at codon 1577 of the RAI1 protein (p.Leu1577Phe). This variant is not present in population databases (gnomAD no frequency). This variant has not been reported in the literature in individuals affected with RAI1-related conditions. Advanced modeling of protein sequence and biophysical properties (such as structural, functional, and spatial information, amino acid conservation, physicochemical variation, residue mobility, and thermodynamic stability) performed at Invitae indicates that this missense variant is expected to disrupt RAI1 protein function with a positive predictive value of 80%. In summary, the available evidence is currently insufficient to determine the role of this variant in disease. Therefore, it has been classified as a Variant of Uncertain Significance.